The following is an entry in ClinVar:

NM_001283009.2(RTEL1):c.714C>T (p.His238=)

Genes: RTEL1 (regulator of telomere elongation helicase 1; plus strand), RTEL1-TNFRSF6B (RTEL1-TNFRSF6B readthrough (NMD candidate); plus strand). Cytogenetic location: 20q13.33.
Variant type: single nucleotide variant.
Coding change: c.714C>T on transcript NM_001283009.2 (MANE Select); coding-DNA position 714, C replaced by T.
Protein change: p.His238=; no amino-acid change (histidine 238 retained).
Molecular consequence: synonymous variant. On other transcripts: non-coding transcript variant (1).
Genome position (GRCh38, 1-based): chr20:63,672,570, C>T. VCF-style: chr20-63672570-C-T. GRCh37 (hg19) VCF-style: chr20-62303923-C-T.
Other names: c.714C>T, p.His238= (NM_016434.4); c.786C>T, p.His262= (NM_032957.5); c.45C>T, p.His15= (NM_001283010.1).
Identifiers: ClinVar variation 1129166 (VCV001129166.34), dbSNP rs372078666, ClinGen allele CA317495283.

ClinVar aggregate classification (germline): Likely benign. Review status: criteria provided, multiple submitters, no conflicts (2 of 4 stars). 3 submissions from 3 submitters: Likely benign (3). Last evaluated 2025-12-29.

Conditions:
Dyskeratosis congenita, autosomal recessive 5 (DKCB5). Identifiers: MedGen C3554656, MONDO:0014076, OMIM 615190.
Pulmonary fibrosis and/or bone marrow failure, Telomere-related, 3. Also called: PULMONARY FIBROSIS AND/OR BONE MARROW FAILURE SYNDROME, TELOMERE-RELATED, 3. Identifiers: Orphanet 2032, MedGen C4225346, MONDO:0014613, OMIM 616373.
Inborn genetic diseases. Identifiers: MedGen C0950123, MeSH D030342.

Allele frequency attached by ClinVar (database versions not stated): gnomAD exomes 0.00001; TOPMed 0.00001; ESP Exome Variant Server 0.00008.
gnomAD v4.1: 5 of 1,584,014 alleles (0.00032%); highest among the groups gnomAD compares: Non-Finnish European, 0.00043%; no homozygotes.

Submissions (3):

Labcorp Genetics (formerly Invitae), Labcorp
Classification: Likely benign for Dyskeratosis congenita, autosomal recessive 5; Pulmonary fibrosis and/or bone marrow failure, Telomere-related, 3. Last evaluated: 2025-12-29. Review status: criteria provided, single submitter. Criteria: Invitae Variant Classification Sherloc (09022015). Collection method: clinical testing. Allele origin: germline.

Ambry Genetics
Classification: Likely benign for Inborn genetic diseases. Last evaluated: 2024-10-05. Review status: criteria provided, single submitter. Criteria: Ambry Variant Classification Scheme 2023. Collection method: clinical testing. Allele origin: germline.

CeGaT Center for Human Genetics Tuebingen
Classification: Likely benign. Last evaluated: 2022-11-01. Review status: criteria provided, single submitter. Criteria: CeGaT Center For Human Genetics Tuebingen Variant Classification Criteria Version 2. Collection method: clinical testing. Allele origin: germline. Affected: yes. Observed: 1 variant allele.
Comment: RTEL1: BP4, BP7